The following is an entry in ClinVar:

NM_000277.3(PAH):c.411C>T (p.Ser137=)

Gene: PAH (phenylalanine hydroxylase; minus strand). Cytogenetic location: 12q23.2.
Variant type: single nucleotide variant.
Coding change: c.411C>T on transcript NM_000277.3 (MANE Select); coding-DNA position 411, C replaced by T.
Protein change: p.Ser137=; no amino-acid change (serine 137 retained).
Molecular consequence: synonymous variant.
Genome position (GRCh38, 1-based): chr12:102,877,492, G>A on the plus strand (C>T on the coding strand, the complement: PAH is on the minus strand). VCF-style: chr12-102877492-G-A. GRCh37 (hg19) VCF-style: chr12-103271270-G-A.
Other names: c.411C>T, p.Ser137= (NM_001354304.2).
Identifiers: ClinVar variation 102665 (VCV000102665.6), dbSNP rs1801146, ClinGen allele CA229536.

ClinVar aggregate classification (germline): Uncertain significance. Review status: reviewed by expert panel (3 of 4 stars). 3 submissions from 3 submitters: Uncertain significance (1). 2 of the submissions do not count toward it. Last evaluated 2020-03-26.

Conditions:
Phenylketonuria (PKU). Also called: Phenylketonuria (PKU); FOLLING DISEASE; OLIGOPHRENIA PHENYLPYRUVICA; Phenylketonurias. Identifiers: Orphanet 716, MedGen C0031485, MONDO:0009861, OMIM 261600. Disease mechanism: loss of function.

Allele frequency attached by ClinVar (database versions not stated): gnomAD exomes below 0.00001.
gnomAD v4.1: 3 of 1,614,078 alleles (0.00019%); highest among the groups gnomAD compares: Non-Finnish European, 0.00025%; no homozygotes.

Submissions (3):

ClinGen PAH Variant Curation Expert Panel
Classification: Uncertain significance for Phenylketonuria. Last evaluated: 2020-03-26. Review status: reviewed by expert panel. Criteria: ClinGen PAH ACMG Specifications v1. Collection method: curation. Allele origin: germline. Inheritance: Autosomal recessive inheritance.
Comment: The c.411C>T (p.Ser137Ser) variant is absent from population databases (PM2). Human splice finder does not predict impact on a consensus splice site or creation of a new one, and there was no result in MaxEntScan (BP7). In summary, this variant meets criteria to be classified as uncertain significance for PAH. PAH-specific ACMG/AMP criteria applied: PM2.

Illumina Laboratory Services, Illumina
Classification: Uncertain significance for Phenylketonuria. Last evaluated: 2017-04-27. Review status: criteria provided, single submitter. Criteria: ICSL Variant Classification Criteria 13 December 2019. Collection method: clinical testing. Allele origin: germline. Not counted in ClinVar's aggregate classification.

DeBelle Laboratory for Biochemical Genetics, MUHC/MCH RESEARCH INSTITUTE
No classification provided. Review status: no classification provided. Collection method: not provided. Allele origin: not provided. Not counted in ClinVar's aggregate classification.